The following is an entry in ClinVar:

ClinVar aggregate classification (germline): Uncertain significance (1 of 4 stars; one submission).

Conditions:
5-Oxoprolinase deficiency (OPLAHD). Also called: 5-OXOPROLINURIA DUE TO 5-OXOPROLINASE DEFICIENCY. Identifiers: Orphanet 33572, MedGen C0268525, MONDO:0009825, OMIM 260005, HP:0040142.

Allele frequency attached by ClinVar (database versions not stated): gnomAD 0.00001; TOPMed 0.00001; ExAC 0.00005.
gnomAD v4.1: 52 of 1,569,804 alleles (0.0033%); highest among the groups gnomAD compares: Non-Finnish European, 0.0041%; no homozygotes.

Submission:

Labcorp Genetics (formerly Invitae), Labcorp
Classification: Uncertain significance for 5-Oxoprolinase deficiency. Last evaluated: 2023-10-11. Review status: criteria provided, single submitter. Criteria: Invitae Variant Classification Sherloc (09022015). Collection method: clinical testing. Allele origin: germline.
Comment: This sequence change replaces arginine, which is basic and polar, with proline, which is neutral and non-polar, at codon 1085 of the OPLAH protein (p.Arg1085Pro). This variant is present in population databases (rs781863147, gnomAD 0.004%). This variant has not been reported in the literature in individuals affected with OPLAH-related conditions. Experimental studies and prediction algorithms are not available or were not evaluated, and the functional significance of this variant is currently unknown. In summary, the available evidence is currently insufficient to determine the role of this variant in disease. Therefore, it has been classified as a Variant of Uncertain Significance.

NM_017570.5(OPLAH):c.3254G>C (p.Arg1085Pro)

Gene: OPLAH (5-oxoprolinase, ATP-hydrolysing; minus strand). Cytogenetic location: 8q24.3.
Variant type: single nucleotide variant.
Coding change: c.3254G>C on transcript NM_017570.5 (MANE Select); coding-DNA position 3254, G replaced by C.
Protein change: p.Arg1085Pro; replaces arginine 1085 with proline.
Molecular consequence: missense variant.
Genome position (GRCh38, 1-based): chr8:144,052,498, C>G on the plus strand (G>C on the coding strand, the complement: OPLAH is on the minus strand). VCF-style: chr8-144052498-C-G. GRCh37 (hg19) VCF-style: chr8-145107401-C-G.
Other names: short protein forms R1085P.
Identifiers: ClinVar variation 2893668 (VCV002893668.3), dbSNP rs781863147, ClinGen allele CA4931166.
Genomic context (GRCh38, chr8:144,052,498, plus strand): 5'-CGCCCCCGCACCTGGGAGGCGGCGCAGGCCCCAAAGGCCCCCAGGATGACATCCACCACG[C>G]GCTGCGACGTGAGCACGTTGCCGCCCACCACCGCCGCCTCGGGCGACGGGTCCAGGATGG-3'
Protein context (NP_060040.1, residues 1075-1095): VVGGNVLTSQ[Arg1085Pro]VVDVILGAFG